The following is an entry in ClinVar:

ClinVar aggregate classification (germline): Uncertain significance (1 of 4 stars; one submission).

Submission:

Dasa
Classification: Uncertain significance. Last evaluated: 2026-04-26. Review status: criteria provided, single submitter. Criteria: DASA Assertion Criteria. Collection method: clinical testing. Allele origin: germline.
Comment: NM_001151.4(SLC25A4):c.327C>G (p.Phe109Leu) is a missense variant that results in the substitution of phenylalanine with leucine. The affected residue or protein region has prior evidence supporting clinical relevance. This variant is rare in population databases. The currently available literature and clinical evidence are not sufficient to establish a definitive association between this variant and the reported condition. Therefore, this variant is classified as a variant of uncertain significance.

NM_001151.4(SLC25A4):c.327C>G (p.Phe109Leu)

Gene: SLC25A4 (solute carrier family 25 member 4; plus strand). Cytogenetic location: 4q35.1.
Variant type: single nucleotide variant.
Coding change: c.327C>G on transcript NM_001151.4 (MANE Select); coding-DNA position 327, C replaced by G.
Protein change: p.Phe109Leu; replaces phenylalanine 109 with leucine.
Molecular consequence: missense variant.
Genome position (GRCh38, 1-based): chr4:185,144,979, C>G. VCF-style: chr4-185144979-C-G. GRCh37 (hg19) VCF-style: chr4-186066133-C-G.
Other names: short protein forms F109L.
Identifiers: ClinVar variation 4880936 (VCV004880936.2).